The following is an entry in ClinVar:

NM_012431.3(SEMA3E):c.1295A>G (p.Asn432Ser)

Gene: SEMA3E (semaphorin 3E; minus strand). Cytogenetic location: 7q21.11.
Variant type: single nucleotide variant.
Coding change: c.1295A>G on transcript NM_012431.3 (MANE Select); coding-DNA position 1295, A replaced by G.
Protein change: p.Asn432Ser; replaces asparagine 432 with serine.
Molecular consequence: missense variant.
Genome position (GRCh38, 1-based): chr7:83,400,099, T>C on the plus strand (A>G on the coding strand, the complement: SEMA3E is on the minus strand). VCF-style: chr7-83400099-T-C. GRCh37 (hg19) VCF-style: chr7-83029415-T-C.
Other names: c.1115A>G, p.Asn372Ser (NM_001178129.2); c.1295A>G (NM_012431.2); short protein forms N432S, N372S.
Identifiers: ClinVar variation 2876578 (VCV002876578.4), dbSNP rs1048227114, ClinGen allele CA367927307.

ClinVar aggregate classification (germline): Uncertain significance. Review status: criteria provided, multiple submitters, no conflicts (2 of 4 stars). 2 submissions from 2 submitters: Uncertain significance (2). Last evaluated 2025-08-29.

Conditions:
SEMA3E-related disorder. Also called: SEMA3E-related condition.
CHARGE syndrome (CHARGE). Also called: Hittner Hirsch Kreh syndrome; CHARGE ASSOCIATION--COLOBOMA, HEART ANOMALY, CHOANAL ATRESIA, RETARDATION, GENITAL AND EAR ANOMALIES; Coloboma, heart anomaly, choanal atresia, retardation, genital and ear anomalies; CHARGE association; Hall-Hittner syndrome. Identifiers: Orphanet 138, MedGen C0265354, MONDO:0008965.

Allele frequency attached by ClinVar (database versions not stated): gnomAD 0.00001; gnomAD exomes 0.00002.
gnomAD v4.1: 31 of 1,613,938 alleles (0.0019%); highest among the groups gnomAD compares: Non-Finnish European, 0.0025%; no homozygotes.

Submissions (2):

PreventionGenetics, part of Exact Sciences
Classification: Uncertain significance for SEMA3E-related condition. Last evaluated: 2025-08-29. Review status: criteria provided, single submitter. Criteria: ACMG Guidelines, 2015. Collection method: clinical testing. Allele origin: germline.
Comment: The SEMA3E c.1295A>G variant is predicted to result in the amino acid substitution p.Asn432Ser. To our knowledge, this variant has not been reported in the literature. This variant is reported in 0.00088% of alleles in individuals of European (Non-Finnish) descent in gnomAD. At this time, the clinical significance of this variant is uncertain due to the absence of conclusive functional and genetic evidence.

Labcorp Genetics (formerly Invitae), Labcorp
Classification: Uncertain significance for CHARGE syndrome. Last evaluated: 2023-09-08. Review status: criteria provided, single submitter. Criteria: Invitae Variant Classification Sherloc (09022015). Collection method: clinical testing. Allele origin: germline.
Comment: In summary, the available evidence is currently insufficient to determine the role of this variant in disease. Therefore, it has been classified as a Variant of Uncertain Significance. Advanced modeling of protein sequence and biophysical properties (such as structural, functional, and spatial information, amino acid conservation, physicochemical variation, residue mobility, and thermodynamic stability) performed at Invitae indicates that this missense variant is not expected to disrupt SEMA3E protein function. This variant has not been reported in the literature in individuals affected with SEMA3E-related conditions. This variant is present in population databases (no rsID available, gnomAD 0.002%). This sequence change replaces asparagine, which is neutral and polar, with serine, which is neutral and polar, at codon 432 of the SEMA3E protein (p.Asn432Ser).